The following is an entry in ClinVar:

ClinVar aggregate classification (germline): Conflicting classifications of pathogenicity. Review status: criteria provided, conflicting classifications (1 of 4 stars). 2 submissions from 2 submitters: Uncertain significance (1); Likely benign (1). Last evaluated 2025-03-06.

Conditions:
Ehlers-Danlos syndrome, classic type, 1 (EDSCL1). Also called: EHLERS-DANLOS SYNDROME, GRAVIS TYPE; EHLERS-DANLOS SYNDROME, SEVERE CLASSIC TYPE; EDS I; Ehlers-Danlos Syndrome, Classic Type, COL5A1-Related; Ehlers-Danlos syndrome, type 1. Identifiers: MedGen C0268335, MONDO:0019567, OMIM 130000.

Allele frequency attached by ClinVar (database versions not stated): TOPMed below 0.00001; ExAC 0.00003; gnomAD exomes 0.00001 and 0.00002.
gnomAD v4.1: 11 of 1,614,048 alleles (0.00068%); highest among the groups gnomAD compares: Non-Finnish European, 0.00085%; no homozygotes.

Submissions (2):

Labcorp Genetics (formerly Invitae), Labcorp
Classification: Likely benign for Ehlers-Danlos syndrome, classic type, 1. Last evaluated: 2025-03-06. Review status: criteria provided, single submitter. Criteria: Invitae Variant Classification Sherloc (09022015). Collection method: clinical testing. Allele origin: germline.

GeneDx
Classification: Uncertain significance. Last evaluated: 2021-05-13. Review status: criteria provided, single submitter. Criteria: GeneDx Variant Classification Process June 2021. Collection method: clinical testing. Allele origin: germline. Affected: yes.
Comment: Has not been previously published as pathogenic or benign to our knowledge; Not observed at a significant frequency in large population cohorts (Lek et al., 2016); In silico analysis supports that this missense variant does not alter protein structure/function; Occurs in the triple helical domain at the Y position in the canonical Gly-X-Y repeat; although this variant may have an effect on normal protein folding and function, missense substitution at the Y position is not a common mechanism of disease (Symoens et al., 2012; Stenson et al., 2014); Reported in ClinVar as a variant of uncertain significance (ClinVar Variant ID# 430347; Landrum et al., 2016)

NM_000093.5(COL5A1):c.2708C>T (p.Pro903Leu)

Gene: COL5A1 (collagen type V alpha 1 chain; plus strand). Cytogenetic location: 9q34.3.
Variant type: single nucleotide variant.
Coding change: c.2708C>T on transcript NM_000093.5 (MANE Select); coding-DNA position 2708, C replaced by T.
Protein change: p.Pro903Leu; replaces proline 903 with leucine.
Molecular consequence: missense variant.
Genome position (GRCh38, 1-based): chr9:134,795,089, C>T. VCF-style: chr9-134795089-C-T. GRCh37 (hg19) VCF-style: chr9-137686935-C-T.
Other names: c.2708C>T, p.Pro903Leu (NM_001278074.1); short protein forms P903L.
Identifiers: ClinVar variation 430347 (VCV000430347.12), dbSNP rs780406577, ClinGen allele CA5319553.